The following is an entry in ClinVar:

NM_144563.3(RPIA):c.633G>A (p.Lys211=)

Gene: RPIA (ribose 5-phosphate isomerase A; plus strand). Cytogenetic location: 2p11.2.
Variant type: single nucleotide variant.
Coding change: c.633G>A on transcript NM_144563.3 (MANE Select); coding-DNA position 633, G replaced by A.
Protein change: p.Lys211=; no amino-acid change (lysine 211 retained).
Molecular consequence: synonymous variant.
Genome position (GRCh38, 1-based): chr2:88,736,571, G>A. VCF-style: chr2-88736571-G-A. GRCh37 (hg19) VCF-style: chr2-89036088-G-A.
Identifiers: ClinVar variation 337433 (VCV000337433.15), dbSNP rs72930711, ClinGen allele CA1755303.
Genomic context (GRCh38, chr2:88,736,571, plus strand): 5'-TACTTTCTGACTCCTTCTTTCCAGGAAAGATTCGAAGAATCTCGGGGATCAGTGGCACAA[G>A]GGAATCCCCATCGAGGTCATCCCAATGGCCTATGTCCCAGTGAGCCGAGCTGTGAGCCAG-3'
Protein context (NP_653164.2, residues 201-221): DSKNLGDQWH[Lys211=]GIPIEVIPMA

ClinVar aggregate classification (germline): Benign. Review status: criteria provided, multiple submitters, no conflicts (2 of 4 stars). 3 submissions from 3 submitters: Benign (3). Last evaluated 2026-01-27.

Conditions:
Deficiency of ribose-5-phosphate isomerase. Also called: Ribose-5-P isomerase deficiency. Identifiers: Orphanet 440706, MedGen C1291609, MONDO:0012073, OMIM 608611.

Allele frequency attached by ClinVar (database versions not stated): ESP Exome Variant Server 0.00833; TOPMed 0.01276; 1000 Genomes Project 0.01438; 1000 Genomes Project 30x 0.01483.
gnomAD v4.1: 3,384 of 1,614,100 alleles (0.21%); highest among the groups gnomAD compares: African/African-American, 3.8%; 59 homozygotes.

Submissions (3):

Labcorp Genetics (formerly Invitae), Labcorp
Classification: Benign. Last evaluated: 2026-01-27. Review status: criteria provided, single submitter. Criteria: Invitae Variant Classification Sherloc (09022015). Collection method: clinical testing. Allele origin: germline.

Illumina Laboratory Services, Illumina
Classification: Benign for Deficiency of ribose-5-phosphate isomerase. Last evaluated: 2018-01-13. Review status: criteria provided, single submitter. Criteria: ICSL Variant Classification Criteria 13 December 2019. Collection method: clinical testing. Allele origin: germline.
Comment: This variant was observed in the ICSL laboratory as part of a predisposition screen in an ostensibly healthy population. It had not been previously curated by ICSL or reported in the Human Gene Mutation Database (HGMD: prior to June 1st, 2018), and was therefore a candidate for classification through an automated scoring system. Utilizing variant allele frequency, disease prevalence and penetrance estimates, and inheritance mode, an automated score was calculated to assess if this variant is too frequent to cause the disease. Based on the score and internal cut-off values, a variant classified as benign is not then subjected to further curation. The score for this variant resulted in a classification of benign for this disease.

Breakthrough Genomics
Classification: Benign. Review status: criteria provided, single submitter. Criteria: ACMG Guidelines, 2015. Collection method: not provided. Allele origin: germline. Inheritance: Autosomal recessive inheritance. Affected: yes.